The following is an entry in ClinVar:

NM_005228.5(EGFR):c.3292C>G (p.Pro1098Ala)

Gene: EGFR (epidermal growth factor receptor; plus strand). Cytogenetic location: 7p11.2.
Variant type: single nucleotide variant.
Coding change: c.3292C>G on transcript NM_005228.5 (MANE Select); coding-DNA position 3292, C replaced by G.
Protein change: p.Pro1098Ala; replaces proline 1098 with alanine.
Molecular consequence: missense variant.
Genome position (GRCh38, 1-based): chr7:55,205,276, C>G. VCF-style: chr7-55205276-C-G. GRCh37 (hg19) VCF-style: chr7-55272969-C-G.
Other names: c.3157C>G, p.Pro1053Ala (NM_001346899.2); c.3133C>G, p.Pro1045Ala (NM_001346900.2); c.2491C>G, p.Pro831Ala (NM_001346941.2); short protein forms P1045A, P1053A, P831A, P1098A.
Identifiers: ClinVar variation 4824481 (VCV004824481.1).

ClinVar aggregate classification (germline): Uncertain significance (1 of 4 stars; one submission).

Conditions:
Hereditary cancer-predisposing syndrome. Also called: Neoplastic Syndromes, Hereditary; Hereditary neoplastic syndrome; Tumor predisposition; Hereditary Cancer Syndrome. Identifiers: Orphanet 140162, MedGen C0027672, MeSH D009386, MONDO:0015356.

Submission:

Ambry Genetics
Classification: Uncertain significance for Hereditary cancer-predisposing syndrome. Last evaluated: 2026-02-14. Review status: criteria provided, single submitter. Criteria: Ambry Variant Classification Scheme 2023. Collection method: clinical testing. Allele origin: germline.
Comment: The p.P1098A variant (also known as c.3292C>G), located in coding exon 28 of the EGFR gene, results from a C to G substitution at nucleotide position 3292. The proline at codon 1098 is replaced by alanine, an amino acid with highly similar properties. This amino acid position is conserved. In addition, this alteration is predicted to be tolerated by in silico analysis. Based on the available evidence, the clinical significance of this variant remains unclear.